The following is an entry in ClinVar:

ClinVar aggregate classification (germline): Uncertain significance (1 of 4 stars; one submission).

Conditions:
Primary immunodeficiency with post-measles-mumps-rubella vaccine viral infection. Also called: Immunodeficiency 44. Identifiers: Orphanet 431166, MedGen C4225260, MONDO:0014715, OMIM 616636.

Submission:

Labcorp Genetics (formerly Invitae), Labcorp
Classification: Uncertain significance for Primary immunodeficiency with post-measles-mumps-rubella vaccine viral infection. Last evaluated: 2018-12-18. Review status: criteria provided, single submitter. Criteria: Invitae Variant Classification Sherloc (09022015). Collection method: clinical testing. Allele origin: germline.
Comment: This sequence change replaces glutamine with glutamic acid at codon 180 of the STAT2 protein (p.Gln180Glu). The glutamine residue is weakly conserved and there is a small physicochemical difference between glutamine and glutamic acid. This variant is not present in population databases (ExAC no frequency). This variant has not been reported in the literature in individuals with STAT2-related conditions. Algorithms developed to predict the effect of missense changes on protein structure and function output the following: SIFT: "Tolerated"; PolyPhen-2: "Benign"; Align-GVGD: "Class C0". The glutamic acid amino acid residue is found in multiple mammalian species, suggesting that this missense change does not adversely affect protein function. These predictions have not been confirmed by published functional studies and their clinical significance is uncertain. In summary, the available evidence is currently insufficient to determine the role of this variant in disease. Therefore, it has been classified as a Variant of Uncertain Significance.

NM_005419.4(STAT2):c.538C>G (p.Gln180Glu)

Gene: STAT2 (signal transducer and activator of transcription 2; minus strand). Cytogenetic location: 12q13.3.
Variant type: single nucleotide variant.
Coding change: c.538C>G on transcript NM_005419.4 (MANE Select); coding-DNA position 538, C replaced by G.
Protein change: p.Gln180Glu; replaces glutamine 180 with glutamic acid.
Molecular consequence: missense variant.
Genome position (GRCh38, 1-based): chr12:56,355,285, G>C on the plus strand (C>G on the coding strand, the complement: STAT2 is on the minus strand). VCF-style: chr12-56355285-G-C. GRCh37 (hg19) VCF-style: chr12-56749069-G-C.
Other names: c.538C>G, p.Gln180Glu (LRG_1329t1); c.526C>G, p.Gln176Glu (NM_198332.2); short protein forms Q180E, Q176E.
Identifiers: ClinVar variation 651710 (VCV000651710.8), dbSNP rs1592489044, ClinGen allele CA385263074.